The following is an entry in ClinVar:

NM_000548.5(TSC2):c.2116C>A (p.Leu706Met)

Gene: TSC2 (TSC complex subunit 2; plus strand). Cytogenetic location: 16p13.3.
Variant type: single nucleotide variant.
Coding change: c.2116C>A on transcript NM_000548.5 (MANE Select); coding-DNA position 2116, C replaced by A.
Protein change: p.Leu706Met; replaces leucine 706 with methionine.
Molecular consequence: missense variant. On other transcripts: non-coding transcript variant (5).
Genome position (GRCh38, 1-based): chr16:2,072,259, C>A. VCF-style: chr16-2072259-C-A. GRCh37 (hg19) VCF-style: chr16-2122260-C-A.
Other names: c.2116C>A, p.Leu706Met (NM_001077183.3, NM_001114382.3, NM_001363528.2 and 6 more transcripts); c.2005C>A, p.Leu669Met (NM_001318827.2, NM_001406670.1, NM_001406678.1); c.1969C>A, p.Leu657Met (NM_001318829.2, NM_001406675.1, NM_001406676.1 and 1 more transcripts); c.1516C>A, p.Leu506Met (NM_001318831.2, NM_001406680.1, NM_001406682.1 and 6 more transcripts); c.2149C>A, p.Leu717Met (NM_001318832.2); c.2206C>A, p.Leu736Met (NM_001406667.1, NM_001406668.1); c.2104C>A, p.Leu702Met (NM_001406671.1, NM_001406673.1); c.2059C>A, p.Leu687Met (NM_001406677.1); and 3 more; short protein forms L669M, L717M, L736M, L172M, L506M, L687M, L258M, L552M.
Identifiers: ClinVar variation 2564726 (VCV002564726.4), dbSNP rs2151316135, ClinGen allele CA394274783.

ClinVar aggregate classification (germline): Uncertain significance. Review status: criteria provided, multiple submitters, no conflicts (2 of 4 stars). 2 submissions from 2 submitters: Uncertain significance (2). Last evaluated 2024-09-01.

Conditions:
Tuberous sclerosis 2 (TSC2). Identifiers: Orphanet 805, MedGen C1860707, MONDO:0013199, OMIM 613254.
Hereditary cancer-predisposing syndrome. Also called: Neoplastic Syndromes, Hereditary; Hereditary Cancer Syndrome; Tumor predisposition; Hereditary neoplastic syndrome. Identifiers: Orphanet 140162, MedGen C0027672, MeSH D009386, MONDO:0015356.

Submissions (2):

Labcorp Genetics (formerly Invitae), Labcorp
Classification: Uncertain significance for Tuberous sclerosis 2. Last evaluated: 2024-09-01. Review status: criteria provided, single submitter. Criteria: Invitae Variant Classification Sherloc (09022015). Collection method: clinical testing. Allele origin: germline.
Comment: This sequence change replaces leucine, which is neutral and non-polar, with methionine, which is neutral and non-polar, at codon 706 of the TSC2 protein (p.Leu706Met). This variant is not present in population databases (gnomAD no frequency). This variant has not been reported in the literature in individuals affected with TSC2-related conditions. ClinVar contains an entry for this variant (Variation ID: 2564726). Invitae Evidence Modeling of protein sequence and biophysical properties (such as structural, functional, and spatial information, amino acid conservation, physicochemical variation, residue mobility, and thermodynamic stability) indicates that this missense variant is not expected to disrupt TSC2 protein function with a negative predictive value of 95%. This variant disrupts the p.Leu706 amino acid residue in TSC2. Other variant(s) that disrupt this residue have been determined to be pathogenic (PMID: 27859028). This suggests that this residue is clinically significant, and that variants that disrupt this residue are likely to be disease-causing. In summary, the available evidence is currently insufficient to determine the role of this variant in disease. Therefore, it has been classified as a Variant of Uncertain Significance.

Ambry Genetics
Classification: Uncertain significance for Hereditary cancer-predisposing syndrome. Last evaluated: 2023-05-11. Review status: criteria provided, single submitter. Criteria: Ambry Variant Classification Scheme 2023. Collection method: clinical testing. Allele origin: germline.
Comment: The p.L706M variant (also known as c.2116C>A), located in coding exon 19 of the TSC2 gene, results from a C to A substitution at nucleotide position 2116. The leucine at codon 706 is replaced by methionine, an amino acid with highly similar properties. This amino acid position is conserved. In addition, this alteration is predicted to be deleterious by in silico analysis. Since supporting evidence is limited at this time, the clinical significance of this alteration remains unclear.

Literature cited by the submitters: PubMed 27859028 (cited by Labcorp Genetics (formerly Invitae), Labcorp).